The following is an entry in ClinVar:

ClinVar aggregate classification (germline): Benign (1 of 4 stars; one submission).

Allele frequency attached by ClinVar (database versions not stated): gnomAD exomes 0.23796; gnomAD 0.35591 and 0.35736; TOPMed 0.37059; 1000 Genomes Project 0.46526; 1000 Genomes Project 30x 0.46565.
gnomAD v4.1: 244,031 of 944,946 alleles (26%); highest among the groups gnomAD compares: African/African-American, 67%; 42,565 homozygotes.

Submission:

GeneDx
Classification: Benign. Last evaluated: 2018-06-15. Review status: criteria provided, single submitter. Criteria: GeneDx Variant Classification (06012015). Collection method: clinical testing. Allele origin: germline. Affected: yes.
Comment: This variant is considered likely benign or benign based on one or more of the following criteria: it is a conservative change, it occurs at a poorly conserved position in the protein, it is predicted to be benign by multiple in silico algorithms, and/or has population frequency not consistent with disease.

NM_001105206.3(LAMA4):c.298-135T>C

Gene: LAMA4 (laminin subunit alpha 4; minus strand). Cytogenetic location: 6q21.
Variant type: single nucleotide variant.
Coding change: c.298-135T>C on transcript NM_001105206.3 (MANE Select); 135 bases into the intron before coding-DNA position 298, T replaced by C.
Molecular consequence: intron variant.
Genome position (GRCh38, 1-based): chr6:112,207,280, A>G on the plus strand (T>C on the coding strand, the complement: LAMA4 is on the minus strand). VCF-style: chr6-112207280-A-G. GRCh37 (hg19) VCF-style: chr6-112528481-A-G.
Other names: c.298-135T>C (NM_002290.5, NM_001105207.3).
Identifiers: ClinVar variation 672704 (VCV000672704.1), dbSNP rs2239849, ClinGen allele CA12333128.